The following is an entry in ClinVar:

NM_022041.4(GAN):c.1210C>G (p.Gln404Glu)

Gene: GAN (gigaxonin; plus strand). Cytogenetic location: 16q23.2.
Variant type: single nucleotide variant.
Coding change: c.1210C>G on transcript NM_022041.4 (MANE Select); coding-DNA position 1210, C replaced by G.
Protein change: p.Gln404Glu; replaces glutamine 404 with glutamic acid.
Molecular consequence: missense variant.
Genome position (GRCh38, 1-based): chr16:81,363,917, C>G. VCF-style: chr16-81363917-C-G. GRCh37 (hg19) VCF-style: chr16-81397522-C-G.
Other names: c.571C>G, p.Gln191Glu (NM_001377486.1); short protein forms Q404E, Q191E.
Identifiers: ClinVar variation 533934 (VCV000533934.6), dbSNP rs1190709905, ClinGen allele CA396890713.

ClinVar aggregate classification (germline): Uncertain significance (1 of 4 stars; one submission).

Conditions:
Giant axonal neuropathy 1 (GAN1). Also called: GAN-Related Neurodegeneration; GIANT AXONAL NEUROPATHY 1, AUTOSOMAL RECESSIVE. Identifiers: Orphanet 643, MedGen C1850386, MONDO:0009749, OMIM 256850.

Allele frequency attached by ClinVar (database versions not stated): gnomAD exomes below 0.00001; TOPMed 0.00001.
gnomAD v4.1: 3 of 1,613,394 alleles (0.00019%); highest among the groups gnomAD compares: Non-Finnish European, 0.00025%; no homozygotes.

Submission:

Labcorp Genetics (formerly Invitae), Labcorp
Classification: Uncertain significance for Giant axonal neuropathy 1. Last evaluated: 2017-10-11. Review status: criteria provided, single submitter. Criteria: Invitae Variant Classification Sherloc (09022015). Collection method: clinical testing. Allele origin: germline.
Comment: In summary, the available evidence is currently insufficient to determine the role of this variant in disease. Therefore, it has been classified as a Variant of Uncertain Significance. Algorithms developed to predict the effect of missense changes on protein structure and function do not agree on the potential impact of this missense change (SIFT: "Tolerated"; PolyPhen-2: "Possibly Damaging"; Align-GVGD: "Class C0"). This variant has not been reported in the literature in individuals with GAN-related disease. This variant is not present in population databases (ExAC no frequency). This sequence change replaces glutamine with glutamic acid at codon 404 of the GAN protein (p.Gln404Glu). The glutamine residue is moderately conserved and there is a small physicochemical difference between glutamine and glutamic acid.